The following is an entry in ClinVar:

ClinVar aggregate classification (germline): Uncertain significance (1 of 4 stars; one submission).

Allele frequency attached by ClinVar (database versions not stated): gnomAD exomes 0.00001.
gnomAD v4.1: 3 of 1,558,690 alleles (0.00019%); highest among the groups gnomAD compares: South Asian, 0.0037%; no homozygotes.

Submission:

Labcorp Genetics (formerly Invitae), Labcorp
Classification: Uncertain significance. Last evaluated: 2022-07-19. Review status: criteria provided, single submitter. Criteria: Invitae Variant Classification Sherloc (09022015). Collection method: clinical testing. Allele origin: germline.
Comment: This sequence change replaces glutamic acid, which is acidic and polar, with aspartic acid, which is acidic and polar, at codon 180 of the SKIV2L protein (p.Glu180Asp). This variant is present in population databases (no rsID available, gnomAD 0.005%). This variant has not been reported in the literature in individuals affected with SKIV2L-related conditions. Algorithms developed to predict the effect of missense changes on protein structure and function (SIFT, PolyPhen-2, Align-GVGD) all suggest that this variant is likely to be tolerated. In summary, the available evidence is currently insufficient to determine the role of this variant in disease. Therefore, it has been classified as a Variant of Uncertain Significance.

NM_006929.5(SKIC2):c.540G>T (p.Glu180Asp)

Gene: SKIC2 (SKI2 subunit of superkiller complex; plus strand). Cytogenetic location: 6p21.33.
Variant type: single nucleotide variant.
Coding change: c.540G>T on transcript NM_006929.5 (MANE Select); coding-DNA position 540, G replaced by T.
Protein change: p.Glu180Asp; replaces glutamic acid 180 with aspartic acid.
Molecular consequence: missense variant.
Genome position (GRCh38, 1-based): chr6:31,960,736, G>T. VCF-style: chr6-31960736-G-T. GRCh37 (hg19) VCF-style: chr6-31928513-G-T.
Other names: short protein forms E180D.
Identifiers: ClinVar variation 2018069 (VCV002018069.1), dbSNP rs1174334117, ClinGen allele CA363441006.